The following is an entry in ClinVar:

NM_001130009.3(GEN1):c.2528C>T (p.Pro843Leu)

Gene: GEN1 (GEN1 Holliday junction 5' flap endonuclease; plus strand). Cytogenetic location: 2p24.2.
Variant type: single nucleotide variant.
Coding change: c.2528C>T on transcript NM_001130009.3 (MANE Select); coding-DNA position 2528, C replaced by T.
Protein change: p.Pro843Leu; replaces proline 843 with leucine.
Molecular consequence: missense variant.
Genome position (GRCh38, 1-based): chr2:17,781,740, C>T. VCF-style: chr2-17781740-C-T. GRCh37 (hg19) VCF-style: chr2-17963007-C-T.
Other names: c.2528C>T, p.Pro843Leu (NM_182625.5); short protein forms P843L.
Identifiers: ClinVar variation 4263039 (VCV004263039.1).
Genomic context (GRCh38, chr2:17,781,740, plus strand): 5'-GTTCTCAAAAGCATAATTCATCCCATTTCAAAGAAAGTGGCCATAACAAGTTGAGTAGCC[C>T]TAAGATACATATTAAAGAAACTGAACAGTGTGTCAGATCTTATGAAACAGCTGAAAATGA-3'
Protein context (NP_001123481.3, residues 833-853): KESGHNKLSS[Pro843Leu]KIHIKETEQC

ClinVar aggregate classification (germline): Uncertain significance (1 of 4 stars; one submission).

gnomAD v4.1: 2 of 1,613,558 alleles (0.00012%); highest among the groups gnomAD compares: East Asian, 0.0045%; no homozygotes.

Submission:

Ambry Genetics
Classification: Uncertain significance. Last evaluated: 2025-07-20. Review status: criteria provided, single submitter. Criteria: Ambry Variant Classification Scheme 2023. Collection method: clinical testing. Allele origin: germline.
Comment: The p.P843L variant (also known as c.2528C>T), located in coding exon 13 of the GEN1 gene, results from a C to T substitution at nucleotide position 2528. The proline at codon 843 is replaced by leucine, an amino acid with similar properties. This amino acid position is conserved. In addition, this alteration is predicted to be tolerated by in silico analysis. Based on the available evidence, the clinical significance of this variant remains unclear.